The following is an entry in ClinVar:

NM_014000.3(VCL):c.472G>A (p.Val158Ile)

Gene: VCL (vinculin; plus strand). Cytogenetic location: 10q22.2.
Variant type: single nucleotide variant.
Coding change: c.472G>A on transcript NM_014000.3 (MANE Select); coding-DNA position 472, G replaced by A.
Protein change: p.Val158Ile; replaces valine 158 with isoleucine.
Molecular consequence: missense variant.
Genome position (GRCh38, 1-based): chr10:74,071,056, G>A. VCF-style: chr10-74071056-G-A. GRCh37 (hg19) VCF-style: chr10-75830814-G-A.
Other names: c.472G>A, p.Val158Ile (NM_003373.4); short protein forms V158I.
Identifiers: ClinVar variation 954892 (VCV000954892.8), dbSNP rs371583362, ClinGen allele CA377266719.

ClinVar aggregate classification (germline): Uncertain significance (1 of 4 stars; one submission).

Conditions:
Dilated cardiomyopathy 1W (CMD1W). Identifiers: Orphanet 154, MedGen C1969639, MONDO:0012667, OMIM 611407.

gnomAD v4.1: 1 of 1,614,094 alleles (0.000062%); highest among the groups gnomAD compares: Admixed American, 0.0017%; no homozygotes.

Submission:

Labcorp Genetics (formerly Invitae), Labcorp
Classification: Uncertain significance for Dilated cardiomyopathy 1W. Last evaluated: 2019-10-04. Review status: criteria provided, single submitter. Criteria: Invitae Variant Classification Sherloc (09022015). Collection method: clinical testing. Allele origin: germline.
Comment: In summary, the available evidence is currently insufficient to determine the role of this variant in disease. Therefore, it has been classified as a Variant of Uncertain Significance. Algorithms developed to predict the effect of missense changes on protein structure and function (SIFT, PolyPhen-2, Align-GVGD) all suggest that this variant is likely to be tolerated, but these predictions have not been confirmed by published functional studies and their clinical significance is uncertain. This sequence change replaces valine with isoleucine at codon 158 of the VCL protein (p.Val158Ile). The valine residue is highly conserved and there is a small physicochemical difference between valine and isoleucine. This variant is not present in population databases (ExAC no frequency). This variant has not been reported in the literature in individuals with VCL-related conditions.